The following is an entry in ClinVar:

NM_000075.4(CDK4):c.487_488delinsGC (p.Arg163Ala)

Gene: CDK4 (cyclin dependent kinase 4; minus strand). Cytogenetic location: 12q14.1.
Variant type: Indel.
Coding change: c.487_488delinsGC on transcript NM_000075.4 (MANE Select); coding-DNA positions 487 to 488, AG replaced by GC.
Protein change: p.Arg163Ala; replaces arginine 163 with alanine.
Molecular consequence: missense variant.
Genome position (GRCh38, 1-based): chr12:57,750,957-57,750,958, CT replaced by GC on the plus strand (AG replaced by GC on the coding strand, the reverse complement: CDK4 is on the minus strand). VCF-style: chr12-57750957-CT-GC. GRCh37 (hg19) VCF-style: chr12-58144740-CT-GC.
Other names: short protein forms R163A.
Identifiers: ClinVar variation 939980 (VCV000939980.8), dbSNP rs1955229482, ClinGen allele CA1139662748.
Genomic context (GRCh38, chr12:57,750,957, plus strand): 5'-CATTTTGGTACCATCTTTCTACTGACCACGGGTGTAAGTGCCATCTGGTAGCTGTAGATT[CT>GC]GGCCAGGCCAAAGTCAGCCAGCTTGACTGTTCCACCACTTGTCACCAGAATGTTCTCTGG-3'
Protein context (NP_000066.1, residues 153-173): TVKLADFGLA[Arg163Ala]IYSYQMALTP

ClinVar aggregate classification (germline): Uncertain significance (1 of 4 stars; one submission).

Conditions:
Familial melanoma. Also called: Hereditary melanoma; Hereditary cutaneous melanoma. Identifiers: Orphanet 618, MedGen C1512419, MONDO:0018961.

Submission:

Labcorp Genetics (formerly Invitae), Labcorp
Classification: Uncertain significance for Familial melanoma. Last evaluated: 2019-05-27. Review status: criteria provided, single submitter. Criteria: Invitae Variant Classification Sherloc (09022015). Collection method: clinical testing. Allele origin: germline.
Comment: In summary, the available evidence is currently insufficient to determine the role of this variant in disease. Therefore, it has been classified as a Variant of Uncertain Significance. Algorithms developed to predict the effect of missense changes on protein structure and function are either unavailable or do not agree on the potential impact of this missense change (SIFT: "Tolerated"; PolyPhen-2: "Possibly Damaging"; Align-GVGD: "Class C0"). This variant has not been reported in the literature in individuals with CDK4-related conditions. This variant is not present in population databases (ExAC no frequency). This sequence change replaces arginine with alanine at codon 163 of the CDK4 protein (p.Arg163Ala). The arginine residue is highly conserved and there is a moderate physicochemical difference between arginine and alanine.